The following is an entry in ClinVar:

NM_001291867.2(NHS):c.611G>A (p.Arg204His)

Gene: NHS (NHS actin remodeling regulator; plus strand). Cytogenetic location: Xp22.13.
Variant type: single nucleotide variant.
Coding change: c.611G>A on transcript NM_001291867.2 (MANE Select); coding-DNA position 611, G replaced by A.
Protein change: p.Arg204His; replaces arginine 204 with histidine.
Molecular consequence: missense variant.
Genome position (GRCh38, 1-based): chrX:17,687,787, G>A. VCF-style: chrX-17687787-G-A. GRCh37 (hg19) VCF-style: chrX-17705907-G-A.
Other names: c.80G>A, p.Arg27His (NM_001136024.4, NM_001291868.2); c.611G>A, p.Arg204His (NM_198270.4); short protein forms R27H, R204H.
Identifiers: ClinVar variation 1751724 (VCV001751724.6), dbSNP rs140369750, ClinGen allele CA412324353.
Genomic context (GRCh38, chrX:17,687,787, plus strand): 5'-TTTCTTGTCTTGCAGCCGTCTCCAACCTGGACATAGAGAGTAAGCTGAGTGTGTACTACC[G>A]CGCCCCGTGGCACCAGCAGCGCAACATCTTCCTCCCAGCCACAAGGCCACCCTGCGTGGA-3'
Protein context (NP_001278796.1, residues 194-214): DIESKLSVYY[Arg204His]APWHQQRNIF

ClinVar aggregate classification (germline): Uncertain significance. Review status: criteria provided, multiple submitters, no conflicts (2 of 4 stars). 2 submissions from 2 submitters: Uncertain significance (2). Last evaluated 2024-08-05.

Conditions:
Inborn genetic diseases. Identifiers: MedGen C0950123, MeSH D030342.
Nance-Horan syndrome (NHS). Identifiers: Orphanet 627, MedGen C0796085, MONDO:0010545, OMIM 302350.

gnomAD v4.1: 60 of 1,211,524 alleles (0.005%); highest among the groups gnomAD compares: Non-Finnish European, 0.0065%; no homozygotes.

Submissions (2):

Ambry Genetics
Classification: Uncertain significance for Inborn genetic diseases. Last evaluated: 2024-08-05. Review status: criteria provided, single submitter. Criteria: Ambry Variant Classification Scheme 2023. Collection method: clinical testing. Allele origin: germline.

Labcorp Genetics (formerly Invitae), Labcorp
Classification: Uncertain significance for Nance-Horan syndrome. Last evaluated: 2023-08-22. Review status: criteria provided, single submitter. Criteria: Invitae Variant Classification Sherloc (09022015). Collection method: clinical testing. Allele origin: germline.
Comment: In summary, the available evidence is currently insufficient to determine the role of this variant in disease. Therefore, it has been classified as a Variant of Uncertain Significance. Advanced modeling of protein sequence and biophysical properties (such as structural, functional, and spatial information, amino acid conservation, physicochemical variation, residue mobility, and thermodynamic stability) performed at Invitae indicates that this missense variant is not expected to disrupt NHS protein function. This variant has not been reported in the literature in individuals affected with NHS-related conditions. ClinVar contains an entry for this variant (Variation ID: 1751724). This sequence change replaces arginine, which is basic and polar, with histidine, which is basic and polar, at codon 204 of the NHS protein (p.Arg204His). This variant is present in population databases (no rsID available, gnomAD 0.01%).